The following is an entry in ClinVar:

NM_004656.4(BAP1):c.850G>A (p.Glu284Lys)

Gene: BAP1 (BRCA1 associated deubiquitinase 1; minus strand). Cytogenetic location: 3p21.1.
Variant type: single nucleotide variant.
Coding change: c.850G>A on transcript NM_004656.4 (MANE Select); coding-DNA position 850, G replaced by A.
Protein change: p.Glu284Lys; replaces glutamic acid 284 with lysine.
Molecular consequence: missense variant.
Genome position (GRCh38, 1-based): chr3:52,405,846, C>T on the plus strand (G>A on the coding strand, the complement: BAP1 is on the minus strand). VCF-style: chr3-52405846-C-T. GRCh37 (hg19) VCF-style: chr3-52439862-C-T.
Other names: c.850G>A (LRG_529t1); short protein forms E284K.
Identifiers: ClinVar variation 489648 (VCV000489648.16), dbSNP rs1553645487, ClinGen allele CA353106761.
Genomic context (GRCh38, chr3:52,405,846, plus strand): 5'-CTGCAGGGGCCCTGTTTGCTTCCAGCACCAGCGGGGACTTGTTGCTGGCTGACTTGGACT[C>T]CTCAGGCAGCTGTGACTCTTGAGACTTGTGGGTCTGAATCAGCTCTGGCTGTGTTACTCT-3'
Protein context (NP_004647.1, residues 274-294): HKSQESQLPE[Glu284Lys]SKSASNKSPL

ClinVar aggregate classification (germline): Uncertain significance. Review status: criteria provided, multiple submitters, no conflicts (2 of 4 stars). 4 submissions from 4 submitters: Uncertain significance (4). Last evaluated 2025-07-02.

Conditions:
Hereditary cancer-predisposing syndrome. Also called: Hereditary Cancer Syndrome; Neoplastic Syndromes, Hereditary; Tumor predisposition; Hereditary neoplastic syndrome. Identifiers: Orphanet 140162, MedGen C0027672, MeSH D009386, MONDO:0015356.
BAP1-related tumor predisposition syndrome (TPDS1). Also called: Tumor susceptibility linked to germline BAP1 mutations; BAP1 tumor predisposition syndrome; COMMON Syndrome; TUMOR PREDISPOSITION SYNDROME 1. Identifiers: Orphanet 289539, MedGen C3280492, MONDO:0013692, OMIM 614327.

Allele frequency attached by ClinVar (database versions not stated): gnomAD exomes below 0.00001; TOPMed below 0.00001.
gnomAD v4.1: 2 of 1,614,126 alleles (0.00012%); highest among the groups gnomAD compares: South Asian, 0.0011%; no homozygotes.

Submissions (4):

Quest Diagnostics Nichols Institute San Juan Capistrano
Classification: Uncertain significance. Last evaluated: 2025-07-02. Review status: criteria provided, single submitter. Criteria: Quest Diagnostics criteria. Collection method: clinical testing. Allele origin: unknown.
Comment: The BAP1 c.850G>A (p.Glu284Lys) variant has not been reported in individuals with BAP1-related conditions in the published literature. It also has not been reported in large, multi-ethnic general populations (Genome Aggregation Database). Analysis of this variant using bioinformatics tools for the prediction of the effect of amino acid changes on protein structure and function yielded predictions that this variant is benign. Based on the available information, we are unable to determine the clinical significance of this variant.

Labcorp Genetics (formerly Invitae), Labcorp
Classification: Uncertain significance for BAP1-related tumor predisposition syndrome. Last evaluated: 2024-11-02. Review status: criteria provided, single submitter. Criteria: Invitae Variant Classification Sherloc (09022015). Collection method: clinical testing. Allele origin: germline.
Comment: This sequence change replaces glutamic acid, which is acidic and polar, with lysine, which is basic and polar, at codon 284 of the BAP1 protein (p.Glu284Lys). This variant is not present in population databases (gnomAD no frequency). This variant has not been reported in the literature in individuals affected with BAP1-related conditions. ClinVar contains an entry for this variant (Variation ID: 489648). Invitae Evidence Modeling of protein sequence and biophysical properties (such as structural, functional, and spatial information, amino acid conservation, physicochemical variation, residue mobility, and thermodynamic stability) indicates that this missense variant is not expected to disrupt BAP1 protein function with a negative predictive value of 80%. In summary, the available evidence is currently insufficient to determine the role of this variant in disease. Therefore, it has been classified as a Variant of Uncertain Significance.

Color Diagnostics, LLC DBA Color Health
Classification: Uncertain significance for Hereditary cancer-predisposing syndrome. Last evaluated: 2023-12-05. Review status: criteria provided, single submitter. Criteria: ACMG Guidelines, 2015. Collection method: clinical testing. Allele origin: germline.
Comment: This missense variant replaces glutamic acid with lysine at codon 284 of the BAP1 protein. Computational prediction suggests that this variant may not impact protein structure and function (internally defined REVEL score threshold <= 0.5, PMID: 27666373). To our knowledge, functional studies have not been reported for this variant. This variant has not been reported in individuals affected with BAP1-related disorders in the literature. This variant has not been identified in the general population by the Genome Aggregation Database (gnomAD). The available evidence is insufficient to determine the role of this variant in disease conclusively. Therefore, this variant is classified as a Variant of Uncertain Significance.

Ambry Genetics
Classification: Uncertain significance for Hereditary cancer-predisposing syndrome. Last evaluated: 2023-04-14. Review status: criteria provided, single submitter. Criteria: Ambry Variant Classification Scheme 2023. Collection method: clinical testing. Allele origin: germline.
Comment: The p.E284K variant (also known as c.850G>A), located in coding exon 10 of the BAP1 gene, results from a G to A substitution at nucleotide position 850. The glutamic acid at codon 284 is replaced by lysine, an amino acid with similar properties. This amino acid position is well conserved in available vertebrate species. In addition, this alteration is predicted to be tolerated by in silico analysis. Since supporting evidence is limited at this time, the clinical significance of this alteration remains unclear.